The following is an entry in ClinVar:

ClinVar aggregate classification (germline): Likely benign. Review status: criteria provided, single submitter (1 of 4 stars). 2 submissions from 2 submitters: Likely benign (1). 1 of the submissions does not count toward it. Last evaluated 2023-09-18.

Conditions:
RYR1-related disorder. Also called: RYR1-related condition; RYR1-related disorders. Identifiers: MedGen CN239331.

Submissions (2):

Labcorp Genetics (formerly Invitae), Labcorp
Classification: Likely benign for RYR1-related disorder. Last evaluated: 2023-09-18. Review status: criteria provided, single submitter. Criteria: Invitae Variant Classification Sherloc (09022015). Collection method: clinical testing. Allele origin: germline.

PreventionGenetics, part of Exact Sciences
Classification: Likely benign for RYR1-related condition. Last evaluated: 2023-12-27. Review status: no assertion criteria provided. Collection method: clinical testing. Allele origin: germline. Not counted in ClinVar's aggregate classification.
Comment: This variant is classified as likely benign based on ACMG/AMP sequence variant interpretation guidelines (Richards et al. 2015 PMID: 25741868, with internal and published modifications).

NM_000540.3(RYR1):c.271-7C>T

Gene: RYR1 (ryanodine receptor 1; plus strand). Cytogenetic location: 19q13.2.
Variant type: single nucleotide variant.
Coding change: c.271-7C>T on transcript NM_000540.3 (MANE Select); 7 bases into the intron before coding-DNA position 271, C replaced by T.
Molecular consequence: intron variant.
Genome position (GRCh38, 1-based): chr19:38,443,551, C>T. VCF-style: chr19-38443551-C-T. GRCh37 (hg19) VCF-style: chr19-38934191-C-T.
Other names: c.271-7C>T (NM_001042723.2, NM_000540.2).
Identifiers: ClinVar variation 2897329 (VCV002897329.5), dbSNP rs192495718, ClinGen allele CA2739276810.